The following is an entry in ClinVar:

NM_000303.3(PMM2):c.353C>G (p.Thr118Ser)

Gene: PMM2 (phosphomannomutase 2; plus strand). Cytogenetic location: 16p13.2.
Variant type: single nucleotide variant.
Coding change: c.353C>G on transcript NM_000303.3 (MANE Select); coding-DNA position 353, C replaced by G.
Protein change: p.Thr118Ser; replaces threonine 118 with serine.
Molecular consequence: missense variant.
Genome position (GRCh38, 1-based): chr16:8,811,084, C>G. VCF-style: chr16-8811084-C-G. GRCh37 (hg19) VCF-style: chr16-8904941-C-G.
Other names: short protein forms T118S.
Identifiers: ClinVar variation 2137777 (VCV002137777.3), dbSNP rs2060674564, ClinGen allele CA394696503.

ClinVar aggregate classification (germline): Conflicting classifications of pathogenicity. Review status: criteria provided, conflicting classifications (1 of 4 stars). 3 submissions from 3 submitters: Likely pathogenic (1); Uncertain significance (2). Last evaluated 2024-09-10.

Conditions:
PMM2-congenital disorder of glycosylation. Also called: JAEKEN SYNDROME; PHOSPHOMANNOMUTASE 2 DEFICIENCY; CARBOHYDRATE-DEFICIENT GLYCOPROTEIN SYNDROME, TYPE Ia; Congenital disorder of glycosylation, type Ia; CDG Ia; PMM2-CDG. Identifiers: Orphanet 79318, MedGen C0349653, MONDO:0008907, OMIM 212065.

Allele frequency attached by ClinVar (database versions not stated): gnomAD exomes below 0.00001.
gnomAD v4.1: 3 of 1,557,862 alleles (0.00019%); highest among the groups gnomAD compares: Non-Finnish European, 0.00017%; no homozygotes.

Submissions (3):

Women's Health and Genetics/Laboratory Corporation of America, LabCorp
Classification: Uncertain significance. Last evaluated: 2024-09-10. Review status: criteria provided, single submitter. Criteria: LabCorp Variant Classification Summary - May 2015. Collection method: clinical testing. Allele origin: germline.
Comment: Variant summary: PMM2 c.353C>G (p.Thr118Ser) results in a conservative amino acid change in the encoded protein sequence. Four of five in-silico tools predict a damaging effect of the variant on protein function. The variant was absent in 183678 control chromosomes. The available data on variant occurrences in the general population are insufficient to allow any conclusion about variant significance. c.353C>G has been reported in the literature in individuals affected with Congenital Disorder Of Glycosylation Type 1a who also carried another variant, c.550C>A, in cis (e.g. Vega_2011, Perez-Cerda_2017, Morena-Barrio_2016, Quelhas_2021). These report(s) do not provide unequivocal conclusions about association of the variant with Congenital Disorder Of Glycosylation Type 1a. At least one publication reports experimental evidence evaluating an impact on protein function. The most pronounced variant effect results in 54% of normal phosphomannomutase activity (Vega_2011). The following publications have been ascertained in the context of this evaluation (PMID: 27214821, 28139241, 33340551, 21541725). ClinVar contains an entry for this variant (Variation ID: 2137777). Based on the evidence outlined above, the variant was classified as uncertain significance.

3billion
Classification: Likely pathogenic for PMM2-congenital disorder of glycosylation. Last evaluated: 2023-02-23. Review status: criteria provided, single submitter. Criteria: ACMG Guidelines, 2015. Collection method: clinical testing. Allele origin: unknown. Affected: yes.
Comment: The variant is not observed in the gnomAD v2.1.1 dataset. Functional studies provide moderate evidence of the variant having a damaging effect on the gene or gene product (PMID: 21541725). In silico tool predictions suggest damaging effect of the variant on gene or gene product (REVEL: 0.90; 3Cnet: 0.86). Same nucleotide change resulting in same amino acid change has been previously reported to be associated with PMM2- related disorder (PMID: 21541725). Therefore, this variant is classified as Likely pathogenic according to the recommendation of ACMG/AMP guideline.

Labcorp Genetics (formerly Invitae), Labcorp
Classification: Uncertain significance for PMM2-congenital disorder of glycosylation. Last evaluated: 2021-09-01. Review status: criteria provided, single submitter. Criteria: Invitae Variant Classification Sherloc (09022015). Collection method: clinical testing. Allele origin: germline.
Comment: This sequence change replaces threonine with serine at codon 118 of the PMM2 protein (p.Thr118Ser). The threonine residue is highly conserved and there is a small physicochemical difference between threonine and serine. This variant is not present in population databases (ExAC no frequency). This missense change has been observed in individual(s) with PMM2-CDG (PMID: 21541725). Algorithms developed to predict the effect of missense changes on protein structure and function are either unavailable or do not agree on the potential impact of this missense change (SIFT: "Tolerated"; PolyPhen-2: "Possibly Damaging"; Align-GVGD: "Class C0"). Experimental studies have shown that this missense change affects PMM2 function (PMID: 21541725). In summary, the available evidence is currently insufficient to determine the role of this variant in disease. Therefore, it has been classified as a Variant of Uncertain Significance.

Literature cited by the submitters: PubMed 21541725 (cited by 3 submitters); PubMed 28139241 (cited by Women's Health and Genetics/Laboratory Corporation of America, LabCorp); PubMed 33340551 (cited by Women's Health and Genetics/Laboratory Corporation of America, LabCorp); PubMed 27214821 (cited by Women's Health and Genetics/Laboratory Corporation of America, LabCorp).